The following is an entry in ClinVar:

NM_001111067.4(ACVR1):c.634G>C (p.Glu212Gln)

Gene: ACVR1 (activin A receptor type 1; minus strand). Cytogenetic location: 2q24.1.
Variant type: single nucleotide variant.
Coding change: c.634G>C on transcript NM_001111067.4 (MANE Select); coding-DNA position 634, G replaced by C.
Protein change: p.Glu212Gln; replaces glutamic acid 212 with glutamine.
Molecular consequence: missense variant.
Genome position (GRCh38, 1-based): chr2:157,774,097, C>G on the plus strand (G>C on the coding strand, the complement: ACVR1 is on the minus strand). VCF-style: chr2-157774097-C-G. GRCh37 (hg19) VCF-style: chr2-158630609-C-G.
Other names: c.634G>C, p.Glu212Gln (NM_001105.5, NM_001347663.1, NM_001347664.1 and 3 more transcripts); short protein forms E212Q.
Identifiers: ClinVar variation 871823 (VCV000871823.43), dbSNP rs1686178589, ClinGen allele CA349192514.

ClinVar aggregate classification (germline): Uncertain significance. Review status: criteria provided, multiple submitters, no conflicts (2 of 4 stars). 2 submissions from 2 submitters: Uncertain significance (2). Last evaluated 2024-06-26.

Submissions (2):

Labcorp Genetics (formerly Invitae), Labcorp
Classification: Uncertain significance. Last evaluated: 2024-06-26. Review status: criteria provided, single submitter. Criteria: Invitae Variant Classification Sherloc (09022015). Collection method: clinical testing. Allele origin: germline.
Comment: This sequence change replaces glutamic acid, which is acidic and polar, with glutamine, which is neutral and polar, at codon 212 of the ACVR1 protein (p.Glu212Gln). This variant is not present in population databases (gnomAD no frequency). This variant has not been reported in the literature in individuals affected with ACVR1-related conditions. ClinVar contains an entry for this variant (Variation ID: 871823). An algorithm developed to predict the effect of missense changes on protein structure and function (PolyPhen-2) suggests that this variant is likely to be disruptive. In summary, the available evidence is currently insufficient to determine the role of this variant in disease. Therefore, it has been classified as a Variant of Uncertain Significance.

CeGaT Center for Human Genetics Tuebingen
Classification: Uncertain significance. Last evaluated: 2019-10-01. Review status: criteria provided, single submitter. Criteria: CeGaT Center For Human Genetics Tuebingen Variant Classification Criteria Version 2. Collection method: clinical testing. Allele origin: germline. Affected: yes. Observed: 2 variant alleles.